The following is an entry in ClinVar:

NM_001048174.2(MUTYH):c.1346C>T (p.Thr449Met)

Gene: MUTYH (mutY DNA glycosylase; minus strand). Cytogenetic location: 1p34.1.
Variant type: single nucleotide variant.
Coding change: c.1346C>T on transcript NM_001048174.2 (MANE Select); coding-DNA position 1346, C replaced by T.
Protein change: p.Thr449Met; replaces threonine 449 with methionine.
Molecular consequence: missense variant. On other transcripts: non-coding transcript variant (2).
Genome position (GRCh38, 1-based): chr1:45,331,228, G>A on the plus strand (C>T on the coding strand, the complement: MUTYH is on the minus strand). VCF-style: chr1-45331228-G-A. GRCh37 (hg19) VCF-style: chr1-45796900-G-A.
Other names: c.1346C>T, p.Thr449Met (NM_001048171.2, NM_001048173.2, NM_001293195.2); c.1349C>T, p.Thr450Met (NM_001048172.2); c.1430C>T, p.Thr477Met (NM_001128425.2); c.1391C>T, p.Thr464Met (NM_001293190.2); c.1379C>T, p.Thr460Met (NM_001293191.2); c.1070C>T, p.Thr357Met (NM_001293192.2, NM_001293196.2); c.1001C>T, p.Thr334Met (NM_001350650.2, NM_001350651.2); c.1421C>T, p.Thr474Met (NM_012222.3); short protein forms T477M, T463M, T460M, T334M, T357M, T450M, T464M, T474M.
Identifiers: ClinVar variation 188159 (VCV000188159.36), dbSNP rs767747402, ClinGen allele CA012788.
Genomic context (GRCh38, chr1:45,331,228, plus strand): 5'-AACAAAGGTAGTGCCTTTTTCATGGCGGTGGAAACAGCTGCGGTGTGAAATTCCTCCTGC[G>A]TCAGCCAGCGAGCACCTGGTGGTACGGTGGTCACTGGGGTCTGCCCTTCCAAGGCCAGCC-3'
Protein context (NP_001041639.1, residues 439-459): TTVPPGARWL[Thr449Met]QEEFHTAAVS

ClinVar aggregate classification (germline): Conflicting classifications of pathogenicity. Review status: criteria provided, conflicting classifications (1 of 4 stars). 11 submissions from 11 submitters: Uncertain significance (9); Likely benign (1). 1 of the submissions does not count toward it. Last evaluated 2025-09-10.

Conditions:
Gastric cancer. Also called: Stomach cancer; Malignant tumor of stomach. Identifiers: MedGen C0024623, MeSH D013274, MONDO:0001056, OMIM 613659, HP:0012126.
Familial adenomatous polyposis 2. Also called: COLORECTAL ADENOMATOUS POLYPOSIS, AUTOSOMAL RECESSIVE; ADENOMAS, MULTIPLE COLORECTAL, AUTOSOMAL RECESSIVE; FAP type 2; MYH-associated polyposis; MUTYH-related attenuated familial adenomatous polyposis; Adenomas, multiple colorectal. Identifiers: Orphanet 220460, Orphanet 247798, MedGen C3272841, MONDO:0012041, OMIM 608456.
Hereditary cancer-predisposing syndrome. Also called: Tumor predisposition; Neoplastic Syndromes, Hereditary; Hereditary neoplastic syndrome; Hereditary Cancer Syndrome. Identifiers: Orphanet 140162, MedGen C0027672, MeSH D009386, MONDO:0015356.

gnomAD v4.1: 32 of 1,614,196 alleles (0.002%); highest among the groups gnomAD compares: South Asian, 0.0033%; no homozygotes.

Submissions (11):

Color Diagnostics, LLC DBA Color Health
Classification: Uncertain significance for Hereditary cancer-predisposing syndrome. Last evaluated: 2025-09-10. Review status: criteria provided, single submitter. Criteria: ACMG Guidelines, 2015. Collection method: clinical testing. Allele origin: germline.
Comment: This missense variant replaces threonine with methionine at codon 477 of the MUTYH protein. Computational prediction suggests that this variant may have deleterious impact on protein structure and function. To our knowledge, functional studies have not been reported for this variant. This variant has not been reported in individuals affected with MUTYH-related disorders in the literature. This variant has been identified in 4/251488 chromosomes in the general population by the Genome Aggregation Database (gnomAD). The available evidence is insufficient to determine the role of this variant in disease conclusively. Therefore, this variant is classified as a Variant of Uncertain Significance.

Ambry Genetics
Classification: Likely benign for Hereditary cancer-predisposing syndrome. Last evaluated: 2025-09-09. Review status: criteria provided, single submitter. Criteria: Ambry Variant Classification Scheme 2023. Collection method: clinical testing. Allele origin: germline.

Labcorp Genetics (formerly Invitae), Labcorp
Classification: Uncertain significance for Familial adenomatous polyposis 2. Last evaluated: 2025-08-31. Review status: criteria provided, single submitter. Criteria: Invitae Variant Classification Sherloc (09022015). Collection method: clinical testing. Allele origin: germline.
Comment: This sequence change replaces threonine, which is neutral and polar, with methionine, which is neutral and non-polar, at codon 477 of the MUTYH protein (p.Thr477Met). This variant is present in population databases (rs767747402, gnomAD 0.003%). This missense change has been observed in individual(s) with colorectal adenomas (PMID: 18515411). This variant is also known as c.1421C>T (T474M). ClinVar contains an entry for this variant (Variation ID: 188159). An algorithm developed to predict the effect of missense changes on protein structure and function (PolyPhen-2) suggests that this variant is likely to be disruptive. In summary, the available evidence is currently insufficient to determine the role of this variant in disease. Therefore, it has been classified as a Variant of Uncertain Significance.

Molecular Pathology, Peter Maccallum Cancer Centre
Classification: Uncertain significance for Familial adenomatous polyposis 2. Last evaluated: 2025-02-18. Review status: criteria provided, single submitter. Criteria: ACMG Guidelines, 2015. Collection method: clinical testing. Allele origin: germline. Inheritance: Autosomal recessive inheritance.

Blueprint Genetics
Classification: Uncertain significance. Last evaluated: 2024-11-12. Review status: criteria provided, single submitter. Criteria: ACMG Guidelines, 2015. Collection method: clinical testing. Allele origin: germline.

All of Us Research Program, National Institutes of Health
Classification: Uncertain significance for Familial adenomatous polyposis 2. Last evaluated: 2024-06-11. Review status: criteria provided, single submitter. Criteria: ACMG Guidelines, 2015. Collection method: clinical testing. Allele origin: germline. Inheritance: Autosomal recessive inheritance. Observed: 7 variant alleles, 7 heterozygotes.
Comment: This missense variant replaces threonine with methionine at codon 477 of the MUTYH protein. Computational prediction suggests that this variant may have deleterious impact on protein structure and function (internally defined REVEL score threshold >= 0.7, PMID: 27666373). To our knowledge, functional studies have not been reported for this variant. This variant has not been reported in individuals affected with MUTYH-related disorders in the literature. This variant has been identified in 4/251488 chromosomes in the general population by the Genome Aggregation Database (gnomAD). The available evidence is insufficient to determine the role of this variant in disease conclusively. Therefore, this variant is classified as a Variant of Uncertain Significance.

This study involves interpretation of variants in research participants for the purpose of population health screening. Participant phenotype was not available at the time of variant classification. Additional details can be found in publication PMID: 35346344, PMCID: PMC8962531

Fulgent Genetics
Classification: Uncertain significance for Familial adenomatous polyposis 2; Gastric cancer. Last evaluated: 2024-05-04. Review status: criteria provided, single submitter. Criteria: ACMG Guidelines, 2015. Collection method: clinical testing. Allele origin: germline.

Baylor Genetics
Classification: Uncertain significance for Familial adenomatous polyposis 2. Last evaluated: 2023-11-23. Review status: criteria provided, single submitter. Criteria: ACMG Guidelines, 2015. Collection method: clinical testing. Allele origin: unknown.

GeneDx
Classification: Uncertain significance. Last evaluated: 2022-10-12. Review status: criteria provided, single submitter. Criteria: GeneDx Variant Classification Process June 2021. Collection method: clinical testing. Allele origin: germline. Affected: yes.
Comment: Not observed at significant frequency in large population cohorts (gnomAD); In silico analysis supports that this missense variant has a deleterious effect on protein structure/function; Co-occurred with two pathogenic MUTYH variants in an individual with colorectal cancer, multiple colorectal adenomas, and gastric antral adenomas (Dallosso et al., 2008); Also known as MUTYH Thr474Met; This variant is associated with the following publications: (PMID: 23108399, 18515411)

Department of Pathology and Laboratory Medicine, Sinai Health System
Classification: Uncertain significance for Familial adenomatous polyposis 2; Gastric cancer. Last evaluated: 2021-01-28. Review status: criteria provided, single submitter. Criteria: ACMG Guidelines, 2015. Collection method: clinical testing. Allele origin: germline. Affected: no.

Counsyl
Classification: Uncertain significance for Familial adenomatous polyposis 2. Last evaluated: 2018-05-17. Review status: no assertion criteria provided. Collection method: clinical testing. Allele origin: unknown. Not counted in ClinVar's aggregate classification.

Literature cited by the submitters: PubMed 18515411 (cited by 4 submitters); PubMed 40738107 (cited by Ambry Genetics).